The following is an entry in ClinVar:

NM_005499.3(UBA2):c.53dup (p.Arg19fs)

Genes: UBA2 (ubiquitin like modifier activating enzyme 2; plus strand), LOC130064190 (ATAC-STARR-seq lymphoblastoid silent region 10502; plus strand). Cytogenetic location: 19q13.11.
Variant type: Duplication.
Coding change: c.53dup on transcript NM_005499.3 (MANE Select); coding-DNA position 53, one base duplicated (G; older notation c.53dupG).
Protein change: p.Arg19fs; shifts the reading frame from arginine 19.
Molecular consequence: frameshift variant. On other transcripts: 5 prime UTR variant (1).
Genome position (GRCh38, 1-based): chr19:34,428,485, G duplicated; the last of 5 consecutive G bases (chr19:34,428,481-34,428,485); duplicating any one gives the same sequence. VCF-style (leftmost placement, unchanged base first): chr19-34428480-C-CG. GRCh37 (hg19) VCF-style: chr19-34919385-C-CG.
Other names: c.-330dup (NM_001411139.1); short protein forms R19fs.
Identifiers: ClinVar variation 3346760 (VCV003346760.1).

ClinVar aggregate classification (germline): Likely pathogenic (0 of 4 stars; one submission).

Conditions:
UBA2-related disorder.

Submission:

PreventionGenetics, part of Exact Sciences
Classification: Likely pathogenic for UBA2-related condition. Last evaluated: 2024-05-03. Review status: no assertion criteria provided. Collection method: clinical testing. Allele origin: germline.
Comment: The UBA2 c.53dupG variant is predicted to result in a frameshift and premature protein termination (p.Arg19Profs*30). To our knowledge, this variant has not been reported in the literature or in a large population database, indicating this variant is rare. Frameshift variants in UBA2 are expected to be pathogenic. This variant is interpreted as likely pathogenic.